The following is an entry in ClinVar:

ClinVar aggregate classification (germline): Benign/Likely benign. Review status: criteria provided, multiple submitters, no conflicts (2 of 4 stars). 4 submissions from 4 submitters: Benign (2); Likely benign (1). 1 of the submissions does not count toward it. Last evaluated 2025-12-17.

Conditions:
Diamond-Blackfan anemia 3 (DBA3). Also called: RPS24-Related Diamond-Blackfan Anemia. Identifiers: Orphanet 124, MedGen C1857719, MONDO:0012529, OMIM 610629.
RPS24-related disorder. Also called: RPS24-related condition.
Diamond-Blackfan anemia. Also called: Blackfan Diamond syndrome; Aregenerative anemia chronic congenital; Red cell aplasia, pure hereditary; Congenital hypoplastic anemia; Aase syndrome. Identifiers: Orphanet 124, MedGen C1260899, MeSH D029503, MONDO:0015253, HP:0004810.

Allele frequency attached by ClinVar (database versions not stated): gnomAD exomes 0.00011 and 0.00029; ESP Exome Variant Server 0.00085; 1000 Genomes Project 30x 0.00094; ExAC 0.00047; 1000 Genomes Project 0.00100; gnomAD 0.00103 and 0.00114; TOPMed 0.00125.
gnomAD v4.1: 318 of 1,606,156 alleles (0.02%); highest among the groups gnomAD compares: African/African-American, 0.38%; no homozygotes.

Submissions (4):

Labcorp Genetics (formerly Invitae), Labcorp
Classification: Benign for Diamond-Blackfan anemia. Last evaluated: 2025-12-17. Review status: criteria provided, single submitter. Criteria: Invitae Variant Classification Sherloc (09022015). Collection method: clinical testing. Allele origin: germline.

Blueprint Genetics
Classification: Likely benign. Last evaluated: 2022-07-07. Review status: criteria provided, single submitter. Criteria: ACMG Guidelines, 2015. Collection method: clinical testing. Allele origin: germline.

Fulgent Genetics
Classification: Benign for Diamond-Blackfan anemia 3. Last evaluated: 2021-08-22. Review status: criteria provided, single submitter. Criteria: ACMG Guidelines, 2015. Collection method: clinical testing. Allele origin: unknown.

PreventionGenetics, part of Exact Sciences
Classification: Benign for RPS24-related condition. Last evaluated: 2022-02-02. Review status: no assertion criteria provided. Collection method: clinical testing. Allele origin: germline. Not counted in ClinVar's aggregate classification.
Comment: This variant is classified as benign based on ACMG/AMP sequence variant interpretation guidelines (Richards et al. 2015 PMID: 25741868, with internal and published modifications).

NM_033022.4(RPS24):c.363A>G (p.Ala121=)

Gene: RPS24 (ribosomal protein S24; plus strand). Cytogenetic location: 10q22.3.
Variant type: single nucleotide variant.
Coding change: c.363A>G on transcript NM_033022.4 (MANE Select); coding-DNA position 363, A replaced by G.
Protein change: p.Ala121=; no amino-acid change (alanine 121 retained).
Molecular consequence: synonymous variant.
Genome position (GRCh38, 1-based): chr10:78,037,277, A>G. VCF-style: chr10-78037277-A-G. GRCh37 (hg19) VCF-style: chr10-79797035-A-G.
Other names: c.363A>G (NM_001142285.1); c.363A>G, p.Ala121= (NM_001026.5, NM_001142282.2, NM_001142283.2 and 2 more transcripts).
Identifiers: ClinVar variation 416128 (VCV000416128.15), dbSNP rs139181869, ClinGen allele CA5571990.